The following is an entry in ClinVar:

ClinVar aggregate classification (germline): Pathogenic (1 of 4 stars; one submission).

Conditions:
Ehlers-Danlos syndrome, dermatosparaxis type. Also called: EDS VIIC; Dermatosparaxis; Ehlers-Danlos syndrome, type VII, autosomal recessive. Identifiers: Orphanet 1901, MedGen C2700425, MONDO:0009161, OMIM 225410.

Submission:

Myriad Genetics, Inc.
Classification: Pathogenic for Ehlers-Danlos syndrome, dermatosparaxis type. Last evaluated: 2024-05-14. Review status: criteria provided, single submitter. Criteria: Myriad Autosomal Dominant, Autosomal Recessive and X-Linked Classification Criteria (2023). Collection method: clinical testing. Allele origin: unknown.
Comment: NM_014244.4(ADAMTS2):c.91_92ins13(P31Lfs*39) is expected to be pathogenic in the context of Ehlers-Danlos syndrome, ADAMTS2-related. This variant is predicted to lead to an abnormal or absent protein product due to the creation of a premature termination codon in ADAMTS2, a gene where loss-of-function variants are known to be pathogenic. Please note: this variant was assessed in the context of healthy population screening.

NM_014244.5(ADAMTS2):c.91_92insTGTCTCTTATACA (p.Pro31fs)

Gene: ADAMTS2 (ADAM metallopeptidase with thrombospondin type 1 motif 2; minus strand). Cytogenetic location: 5q35.3.
Variant type: Insertion.
Coding change: c.91_92insTGTCTCTTATACA on transcript NM_014244.5 (MANE Select); coding-DNA positions 91 to 92, TGTCTCTTATACA inserted.
Protein change: p.Pro31fs; shifts the reading frame from proline 31.
Molecular consequence: frameshift variant.
Genome position: GRCh38 VCF-style: chr5-179345237-G-GTGTATAAGAGACA. GRCh37 (hg19) VCF-style: chr5-178772238-G-GTGTATAAGAGACA.
Other names: c.91_92insTGTCTCTTATACA, p.Pro31fs (NM_021599.4); short protein forms P31fs.
Identifiers: ClinVar variation 5011187 (VCV005011187.1).